The following is an entry in ClinVar:

ClinVar aggregate classification (germline): Likely pathogenic. Review status: criteria provided, multiple submitters, no conflicts (2 of 4 stars). 2 submissions from 2 submitters: Likely pathogenic (2). Last evaluated 2024-12-01.

Conditions:
Argininosuccinate lyase deficiency. Also called: Argininosuccinic aciduria; ARGININOSUCCINIC ACID LYASE DEFICIENCY; ASL DEFICIENCY. Identifiers: Orphanet 23, MedGen C0268547, MONDO:0008815, OMIM 207900, HP:0025630.

Allele frequency attached by ClinVar (database versions not stated): gnomAD exomes below 0.00001.

Submissions (2):

Natera, Inc.
Classification: Likely pathogenic for Argininosuccinate lyase deficiency. Last evaluated: 2024-12-01. Review status: criteria provided, single submitter. Criteria: Natera Variant Classification Schema (03/2026). Collection method: clinical testing. Allele origin: germline.
Comment: The c.305dup variant in ASL is a frameshift variant predicted to shift the reading frame beginning at codon 103 and leads to a stop codon 13 codons downstream. This variant is expected to result in nonsense mediated decay, truncation, or a dysfunctional protein product. This variant is rare in the general population with a frequency below the threshold expected for the associated phenotype(s). Given the available evidence, this variant is classified as Likely Pathogenic.

Baylor Genetics
Classification: Likely pathogenic for Argininosuccinate lyase deficiency. Last evaluated: 2023-11-27. Review status: criteria provided, single submitter. Criteria: ACMG Guidelines, 2015. Collection method: clinical testing. Allele origin: unknown.

NM_000048.4(ASL):c.305dup (p.Thr103fs)

Gene: ASL (argininosuccinate lyase; plus strand). Cytogenetic location: 7q11.21.
Variant type: Duplication.
Coding change: c.305dup on transcript NM_000048.4 (MANE Select); coding-DNA position 305, one base duplicated (C; older notation c.305dupC).
Protein change: p.Thr103fs; shifts the reading frame from threonine 103.
Molecular consequence: frameshift variant.
Genome position (GRCh38, 1-based): chr7:66,082,893, C duplicated. VCF-style (leftmost placement, unchanged base first): chr7-66082892-G-GC. GRCh37 (hg19) VCF-style: chr7-65547879-G-GC.
Other names: c.305dup, p.Thr103fs (NM_001024943.2, NM_001024944.2, NM_001024946.2); c.305dup (NM_000048.3); short protein forms T103fs.
Identifiers: ClinVar variation 2678788 (VCV002678788.3), dbSNP rs2484997333, ClinGen allele CA2683084407.